The following is an entry in ClinVar:

ClinVar aggregate classification (germline): Likely benign (1 of 4 stars; one submission).

gnomAD v4.1: 27 of 1,613,750 alleles (0.0017%); highest among the groups gnomAD compares: Middle Eastern, 0.033%; 1 homozygote.

Submission:

CeGaT Center for Human Genetics Tuebingen
Classification: Likely benign. Last evaluated: 2026-03-01. Review status: criteria provided, single submitter. Criteria: CeGaT Center For Human Genetics Tuebingen Variant Classification Criteria Version 2. Collection method: clinical testing. Allele origin: germline. Affected: yes. Observed: 1 variant allele.
Comment: TANC2: BP4, BP7

NM_001394998.1(TANC2):c.1593T>C (p.Tyr531=)

Gene: TANC2 (tetratricopeptide repeat, ankyrin repeat and coiled-coil containing 2; plus strand). Cytogenetic location: 17q23.3.
Variant type: single nucleotide variant.
Coding change: c.1593T>C on transcript NM_001394998.1 (MANE Select); coding-DNA position 1593, T replaced by C.
Protein change: p.Tyr531=; no amino-acid change (tyrosine 531 retained).
Molecular consequence: synonymous variant.
Genome position (GRCh38, 1-based): chr17:63,340,118, T>C. VCF-style: chr17-63340118-T-C. GRCh37 (hg19) VCF-style: chr17-61417479-T-C.
Other names: c.1371T>C, p.Tyr457= (NM_001411076.1, NM_025185.4).
Identifiers: ClinVar variation 4821365 (VCV004821365.4).
Genomic context (GRCh38, chr17:63,340,118, plus strand): 5'-TACTACTGATAAGCCTGTTTGCATTCTCATCTTTCTTTTGCAGGTGGTTGCCTATCACTA[T>C]TGTCAAGCAGATAATGCCTACACTTGCTTGGTGCCAGAATTTGTCCACAATGTTGCTGCC-3'
Protein context (NP_001381927.1, residues 521-541): RLASQVVAYH[Tyr531=]CQADNAYTCL